The following is an entry in ClinVar:

ClinVar aggregate classification (germline): Uncertain significance (1 of 4 stars; one submission).

Allele frequency attached by ClinVar (database versions not stated): gnomAD exomes below 0.00001; ExAC 0.00001; gnomAD 0.00001; 1000 Genomes Project 30x 0.00016; 1000 Genomes Project 0.00020.
gnomAD v4.1: 2 of 1,614,186 alleles (0.00012%); highest among the groups gnomAD compares: Admixed American, 0.0017%; no homozygotes.

Submission:

Labcorp Genetics (formerly Invitae), Labcorp
Classification: Uncertain significance. Last evaluated: 2023-02-11. Review status: criteria provided, single submitter. Criteria: Invitae Variant Classification Sherloc (09022015). Collection method: clinical testing. Allele origin: germline.
Comment: In summary, the available evidence is currently insufficient to determine the role of this variant in disease. Therefore, it has been classified as a Variant of Uncertain Significance. Algorithms developed to predict the effect of missense changes on protein structure and function (SIFT, PolyPhen-2, Align-GVGD) all suggest that this variant is likely to be tolerated. This variant has not been reported in the literature in individuals affected with IFNAR2-related conditions. This variant is present in population databases (rs552702462, gnomAD 0.01%). This sequence change replaces valine, which is neutral and non-polar, with methionine, which is neutral and non-polar, at codon 375 of the IFNAR2 protein (p.Val375Met).

NM_001289125.3(IFNAR2):c.1123G>A (p.Val375Met)

Genes: IFNAR2 (interferon alpha and beta receptor subunit 2; plus strand), IFNAR2-IL10RB (IFNAR2-IL10RB readthrough; plus strand). Cytogenetic location: 21q22.11.
Variant type: single nucleotide variant.
Coding change: c.1123G>A on transcript NM_001289125.3 (MANE Select); coding-DNA position 1123, G replaced by A.
Protein change: p.Val375Met; replaces valine 375 with methionine.
Molecular consequence: missense variant. On other transcripts: 3 prime UTR variant (5), intron variant (1).
Genome position (GRCh38, 1-based): chr21:33,263,075, G>A. VCF-style: chr21-33263075-G-A. GRCh37 (hg19) VCF-style: chr21-34635380-G-A.
Other names: c.*359G>A (NM_000874.5, NM_207584.3); c.*272G>A (NM_001289126.2, NM_001289128.2); c.*498G>A (NM_001385054.1); c.1123G>A, p.Val375Met (NM_001385055.1, NM_207585.3); c.710-5319G>A (NM_001414505.1); short protein forms V375M.
Identifiers: ClinVar variation 2878206 (VCV002878206.2), dbSNP rs552702462, ClinGen allele CA10005919.
Genomic context (GRCh38, chr21:33,263,075, plus strand): 5'-ACAGAATCCCAGTTGATAGACCCGGAGTCCGAGGAGGAGCCTGACCTGCCTGAGGTTGAT[G>A]TGGAGCTCCCCACGATGCCAAAGGACAGCCCTCAGCAGTTGGAACTCTTGAGTGGGCCCT-3'
Protein context (NP_001276054.1, residues 365-385): EEEPDLPEVD[Val375Met]ELPTMPKDSP